The following is an entry in ClinVar:

ClinVar aggregate classification (germline): Uncertain significance. Review status: criteria provided, multiple submitters, no conflicts (2 of 4 stars). 3 submissions from 3 submitters: Uncertain significance (2). 1 of the submissions does not count toward it. Last evaluated 2024-07-10.

Conditions:
Blue color blindness. Also called: Tritanomaly; BLUE COLORBLINDNESS; COLORBLINDNESS, TRITAN; COLORBLINDNESS, TRITANOPIC. Identifiers: Orphanet 88629, MedGen C0155017, MONDO:0008610, OMIM 190900, HP:0000552.

gnomAD v4.1: 35 of 1,614,040 alleles (0.0022%); highest among the groups gnomAD compares: Non-Finnish European, 0.0025%; no homozygotes.

Submissions (3):

Blueprint Genetics
Classification: Uncertain significance. Last evaluated: 2024-07-10. Review status: criteria provided, single submitter. Criteria: ACMG Guidelines, 2015. Collection method: clinical testing. Allele origin: germline.

Labcorp Genetics (formerly Invitae), Labcorp
Classification: Uncertain significance. Last evaluated: 2023-03-14. Review status: criteria provided, single submitter. Criteria: Invitae Variant Classification Sherloc (09022015). Collection method: clinical testing. Allele origin: germline.
Comment: In summary, the available evidence is currently insufficient to determine the role of this variant in disease. Therefore, it has been classified as a Variant of Uncertain Significance. An algorithm developed to predict the effect of missense changes on protein structure and function (PolyPhen-2) suggests that this variant is likely to be disruptive. ClinVar contains an entry for this variant (Variation ID: 63). This missense change has been observed in individuals with colorblindness and/or tritanopia (PMID: 1531728). It has also been observed to segregate with disease in related individuals. This variant is present in population databases (rs104894032, gnomAD 0.008%). This sequence change replaces serine, which is neutral and polar, with proline, which is neutral and non-polar, at codon 214 of the OPN1SW protein (p.Ser214Pro).

OMIM
Classification: Pathogenic for TRITANOPIA. Last evaluated: 1992-03-01. Review status: no assertion criteria provided. Collection method: literature only. Allele origin: germline. Not counted in ClinVar's aggregate classification.

Literature cited by the submitters: PubMed 1531728 (cited by Labcorp Genetics (formerly Invitae), Labcorp and OMIM).

NC_000007.14:g.128774545A>G

Gene: OPN1SW (opsin 1, short wave sensitive; minus strand). Cytogenetic location: 7q32.1.
Variant type: single nucleotide variant.
Genome position: GRCh38 VCF-style: chr7-128774545-A-G. GRCh37 (hg19) VCF-style: chr7-128414599-A-G.
Other names: S214P.
Identifiers: ClinVar variation 63 (VCV000000063.6), dbSNP rs104894032, ClinGen allele CA113830.